The following is an entry in ClinVar:

NM_001437.3(ESR2):c.1108G>A (p.Val370Ile)

Gene: ESR2 (estrogen receptor 2; minus strand). Cytogenetic location: 14q23.2.
Variant type: single nucleotide variant.
Coding change: c.1108G>A on transcript NM_001437.3 (MANE Select); coding-DNA position 1108, G replaced by A.
Protein change: p.Val370Ile; replaces valine 370 with isoleucine.
Molecular consequence: missense variant. On other transcripts: non-coding transcript variant (2), intron variant (1).
Genome position (GRCh38, 1-based): chr14:64,249,663, C>T on the plus strand (G>A on the coding strand, the complement: ESR2 is on the minus strand). VCF-style: chr14-64249663-C-T. GRCh37 (hg19) VCF-style: chr14-64716381-C-T.
Other names: c.1108G>A, p.Val370Ile (NM_001040275.1, NM_001214902.1, NM_001271876.1 and 2 more transcripts); c.952+10786G>A (NM_001271877.1); short protein forms V370I.
Identifiers: ClinVar variation 3383047 (VCV003383047.2).
Genomic context (GRCh38, chr14:64,249,663, plus strand): 5'-ACTCTCGAAACCTTGAAGTAGTTGCCAGGAGCATGTCAAAGATTTCCAGAATTCCTTCTA[C>T]GCATTTCCCCTCATCCCTACAAAAGTTCGTTTGGAAATTTAAGGAACATAGCTTCAGGAA-3'
Protein context (NP_001428.1, residues 360-380): LVLDRDEGKC[Val370Ile]EGILEIFDML

ClinVar aggregate classification (germline): Uncertain significance (1 of 4 stars; one submission).

Conditions:
Ovarian dysgenesis 8. Identifiers: MedGen C4748626, MONDO:0032590, OMIM 618187.

gnomAD v4.1: 17 of 1,613,366 alleles (0.0011%); highest among the groups gnomAD compares: Admixed American, 0.0084%; no homozygotes.

Submission:

Juno Genomics, Hangzhou Juno Genomics, Inc
Classification: Uncertain significance for Ovarian dysgenesis 8. Review status: criteria provided, single submitter. Criteria: ACMG Guidelines, 2015. Collection method: clinical testing. Allele origin: germline. Affected: yes.
Comment: Absent from controls (or at extremely low frequency if recessive) in Genome Aggregation Database, Exome Sequencing Project, 1000 Genomes Project, or Exome Aggregation Consortium.;Multiple lines of computational evidence support a deleterious effect on the gene or gene product (conservation, evolutionary, splicing impact, etc).;Patient's phenotype or family history is highly specific for a disease with a single genetic etiology.